The following is an entry in ClinVar:

NM_152703.5(SAMD9L):c.3027T>C (p.Cys1009=)

Gene: SAMD9L (sterile alpha motif domain containing 9 like; minus strand). Cytogenetic location: 7q21.2.
Variant type: single nucleotide variant.
Coding change: c.3027T>C on transcript NM_152703.5 (MANE Select); coding-DNA position 3027, T replaced by C.
Protein change: p.Cys1009=; no amino-acid change (cysteine 1009 retained).
Molecular consequence: synonymous variant.
Genome position (GRCh38, 1-based): chr7:93,132,945, A>G on the plus strand (T>C on the coding strand, the complement: SAMD9L is on the minus strand). VCF-style: chr7-93132945-A-G. GRCh37 (hg19) VCF-style: chr7-92762258-A-G.
Other names: p.Cys1009=; c.3027T>C (NM_152703.2); c.3027T>C, p.Cys1009= (NM_001303496.3, NM_001303497.3, NM_001303498.3 and 5 more transcripts).
Identifiers: ClinVar variation 708720 (VCV000708720.45), dbSNP rs149908158, ClinGen allele CA4343519.

ClinVar aggregate classification (germline): Benign/Likely benign. Review status: criteria provided, multiple submitters, no conflicts (2 of 4 stars). 10 submissions from 10 submitters: Benign (4); Likely benign (4). 2 of the submissions do not count toward it. Last evaluated 2026-02-01.

Conditions:
Inborn genetic diseases. Identifiers: MedGen C0950123, MeSH D030342.

Allele frequency attached by ClinVar (database versions not stated): 1000 Genomes Project 30x 0.00031; 1000 Genomes Project 0.00040; ESP Exome Variant Server 0.00138; TOPMed 0.00195; gnomAD 0.00202 and 0.00205; gnomAD exomes 0.00204 and 0.00216; ExAC 0.00207.
gnomAD v4.1: 3,474 of 1,613,506 alleles (0.22%); highest among the groups gnomAD compares: Middle Eastern, 0.26%; 8 homozygotes.

Submissions (10):

Labcorp Genetics (formerly Invitae), Labcorp
Classification: Benign. Last evaluated: 2026-02-01. Review status: criteria provided, single submitter. Criteria: Invitae Variant Classification Sherloc (09022015). Collection method: clinical testing. Allele origin: germline.

Mayo Clinic Laboratories, Mayo Clinic
Classification: Likely benign. Last evaluated: 2025-07-02. Review status: criteria provided, single submitter. Criteria: ACMG Guidelines, 2015. Collection method: clinical testing. Allele origin: germline. Observed: 6 variant alleles.
Comment: BS1, BP4, BP7

CeGaT Center for Human Genetics Tuebingen
Classification: Likely benign. Last evaluated: 2024-12-01. Review status: criteria provided, single submitter. Criteria: CeGaT Center For Human Genetics Tuebingen Variant Classification Criteria Version 2. Collection method: clinical testing. Allele origin: germline. Affected: yes. Observed: 7 variant alleles.
Comment: SAMD9L: BP4, BP7, BS1

Blueprint Genetics
Classification: Likely benign. Last evaluated: 2024-11-22. Review status: criteria provided, single submitter. Criteria: ACMG Guidelines, 2015. Collection method: clinical testing. Allele origin: germline.

Ambry Genetics
Classification: Likely benign for Inborn genetic diseases. Last evaluated: 2024-10-02. Review status: criteria provided, single submitter. Criteria: Ambry Variant Classification Scheme 2023. Collection method: clinical testing. Allele origin: germline.

ARUP Laboratories, Molecular Genetics and Genomics, ARUP Laboratories
Classification: Benign. Last evaluated: 2024-07-17. Review status: criteria provided, single submitter. Criteria: ARUP Molecular Germline Variant Investigation Process 2024. Collection method: clinical testing. Allele origin: germline.

Genetic Services Laboratory, University of Chicago
Classification: Benign. Last evaluated: 2019-02-14. Review status: criteria provided, single submitter. Criteria: ACMG Guidelines, 2015. Collection method: clinical testing. Allele origin: germline. Affected: no.

Breakthrough Genomics
Classification: Benign. Review status: criteria provided, single submitter. Criteria: ACMG Guidelines, 2015. Collection method: not provided. Allele origin: germline. Inheritance: Autosomal dominant inheritance. Affected: yes.

Clinical Genetics DNA and cytogenetics Diagnostics Lab, Erasmus MC, Erasmus Medical Center
Classification: Likely benign. Review status: no assertion criteria provided. Collection method: clinical testing. Allele origin: germline. Affected: yes. Study: VKGL Data-share Consensus. Not counted in ClinVar's aggregate classification.

Laboratory of Diagnostic Genome Analysis, Leiden University Medical Center (LUMC)
Classification: Benign. Review status: no assertion criteria provided. Collection method: clinical testing. Allele origin: germline. Affected: yes. Study: VKGL Data-share Consensus. Not counted in ClinVar's aggregate classification.